The following is an entry in ClinVar:

NM_177550.5(SLC13A5):c.1005C>A (p.Pro335=)

Gene: SLC13A5 (solute carrier family 13 member 5; minus strand). Cytogenetic location: 17p13.1.
Variant type: single nucleotide variant.
Coding change: c.1005C>A on transcript NM_177550.5 (MANE Select); coding-DNA position 1005, C replaced by A.
Protein change: p.Pro335=; no amino-acid change (proline 335 retained).
Molecular consequence: synonymous variant.
Genome position (GRCh38, 1-based): chr17:6,695,776, G>T on the plus strand (C>A on the coding strand, the complement: SLC13A5 is on the minus strand). VCF-style: chr17-6695776-G-T. GRCh37 (hg19) VCF-style: chr17-6599095-G-T.
Other names: c.1005C>A, p.Pro335= (NM_001143838.3); c.954C>A, p.Pro318= (NM_001284509.2); c.876C>A, p.Pro292= (NM_001284510.2).
Identifiers: ClinVar variation 385284 (VCV000385284.10), dbSNP rs56224509, ClinGen allele CA16607485.
Genomic context (GRCh38, chr17:6,695,776, plus strand): 5'-CAAGACTTACTTTGTCTCACCCTCCACCCAGGCAACAGTCAGCCAGCCGGGCATGAAGCC[G>T]GGGTCTCGGGAGAACCACAGGATGACCAGCAGGAAGAAGCAGATCAGCACGTTGATCTCC-3'
Protein context (NP_808218.1, residues 325-345): LLVILWFSRD[Pro335=]GFMPGWLTVA

ClinVar aggregate classification (germline): Likely benign. Review status: criteria provided, multiple submitters, no conflicts (2 of 4 stars). 3 submissions from 3 submitters: Likely benign (3). Last evaluated 2026-02-03.

Conditions:
Developmental and epileptic encephalopathy, 25 (DEE25). Also called: Developmental and epileptic encephalopathy 25, with amelogenesis imperfecta; Epileptic encephalopathy, early infantile, 25, with amelogenesis imperfecta; Epileptic encephalopathy, early infantile, 25. Identifiers: Orphanet 442835, MedGen C4014621, MONDO:0014392, OMIM 615905.

gnomAD v4.1: 22 of 1,614,100 alleles (0.0014%); highest among the groups gnomAD compares: Middle Eastern, 0.3%; no homozygotes.

Submissions (3):

Labcorp Genetics (formerly Invitae), Labcorp
Classification: Likely benign for Developmental and epileptic encephalopathy, 25. Last evaluated: 2026-02-03. Review status: criteria provided, single submitter. Criteria: Invitae Variant Classification Sherloc (09022015). Collection method: clinical testing. Allele origin: germline.

Blueprint Genetics
Classification: Likely benign. Last evaluated: 2023-12-22. Review status: criteria provided, single submitter. Criteria: ACMG Guidelines, 2015. Collection method: clinical testing. Allele origin: germline.

GeneDx
Classification: Likely benign. Last evaluated: 2016-04-11. Review status: criteria provided, single submitter. Criteria: GeneDx Variant Classification (06012015). Collection method: clinical testing. Allele origin: germline. Affected: yes.
Comment: This variant is considered likely benign or benign based on one or more of the following criteria: it is a conservative change, it occurs at a poorly conserved position in the protein, it is predicted to be benign by multiple in silico algorithms, and/or has population frequency not consistent with disease.